The following is an entry in ClinVar:

ClinVar aggregate classification (germline): Uncertain significance (1 of 4 stars; one submission).

Submission:

Labcorp Genetics (formerly Invitae), Labcorp
Classification: Uncertain significance. Last evaluated: 2021-06-22. Review status: criteria provided, single submitter. Criteria: Invitae Variant Classification Sherloc (09022015). Collection method: clinical testing. Allele origin: germline.
Comment: This variant is not present in population databases (ExAC no frequency). This variant has not been reported in the literature in individuals affected with WFS1-related conditions. Nucleotide substitutions within the consensus splice site are a relatively common cause of aberrant splicing (PMID: 17576681, 9536098). Algorithms developed to predict the effect of sequence changes on RNA splicing suggest that this variant may disrupt the consensus splice site. This sequence change falls in intron 7 of the WFS1 gene. It does not directly change the encoded amino acid sequence of the WFS1 protein. It affects a nucleotide within the consensus splice site of the intron. In summary, the available evidence is currently insufficient to determine the role of this variant in disease. Therefore, it has been classified as a Variant of Uncertain Significance.

Literature cited by the submitters: PubMed 17576681; PubMed 9536098.

NM_006005.3(WFS1):c.861+4A>G

Gene: WFS1 (wolframin ER transmembrane glycoprotein; plus strand). Cytogenetic location: 4p16.1.
Variant type: single nucleotide variant.
Coding change: c.861+4A>G on transcript NM_006005.3 (MANE Select); 4 bases into the intron after coding-DNA position 861, A replaced by G.
Molecular consequence: intron variant.
Genome position (GRCh38, 1-based): chr4:6,295,193, A>G. VCF-style: chr4-6295193-A-G. GRCh37 (hg19) VCF-style: chr4-6296920-A-G.
Other names: c.861+4A>G (NM_001145853.1).
Identifiers: ClinVar variation 1466830 (VCV001466830.6), dbSNP rs2109119674, ClinGen allele CA2573138318.
Genomic context (GRCh38, chr4:6,295,193, plus strand): 5'-GAAGATGATGACGAGCTGGCGGGGAAGAGCCCTGAGGACCTGCCACTGCGTCTGAAGGTG[A>G]GTGACCAAGACCCCGGTCAGGCCGGAGCCTGCCTCCCAAGGACTCGCGCACCTCAGGCAG-3'